The following is an entry in ClinVar:

NR_003051.4(RMRP):n.-20_-1dup

Gene: RMRP (RNA component of mitochondrial RNA processing endoribonuclease; minus strand). Cytogenetic location: 9p13.3.
Variant type: Duplication.
Genome position: GRCh38 VCF-style: chr9-35658019-A-ACGTCCTCAGCTTCACAGAGT. GRCh37 (hg19) VCF-style: chr9-35658016-A-ACGTCCTCAGCTTCACAGAGT.
Identifiers: ClinVar variation 555121 (VCV000555121.18), dbSNP rs1554651403, ClinGen allele CA587570191.

ClinVar aggregate classification (germline): Pathogenic/Likely pathogenic. Review status: criteria provided, multiple submitters, no conflicts (2 of 4 stars). 5 submissions from 5 submitters: Pathogenic (2); Likely pathogenic (1). 2 of the submissions do not count toward it. Last evaluated 2024-02-23.

Conditions:
Anauxetic dysplasia. Identifiers: Orphanet 93347, MedGen C1846796, MONDO:0011773.
Metaphyseal chondrodysplasia, McKusick type (CHH). Also called: Cartilage-hair hypoplasia; Cartilage-Hair Hypoplasia (CHH). Identifiers: Orphanet 175, MedGen C0220748, MONDO:0009595, OMIM 250250.

Allele frequency attached by ClinVar (database versions not stated): TOPMed below 0.00001; gnomAD 0.00001; gnomAD exomes 0.00001 and 0.00002.

Submissions (5):

Labcorp Genetics (formerly Invitae), Labcorp
Classification: Pathogenic for Anauxetic dysplasia. Last evaluated: 2024-02-23. Review status: criteria provided, single submitter. Criteria: Invitae Variant Classification Sherloc (09022015). Collection method: clinical testing. Allele origin: germline.
Comment: This variant occurs in the RMRP gene, which encodes an RNA molecule that does not result in a protein product. This variant is present in population databases (no rsID available, gnomAD 0.009%). This variant has been observed in individuals with cartilage-hair hypoplasia (PMID: 32021596). Other insertions and duplications immediately upstream of the coding sequence have been reported in individuals affected with cartilage-hair hypoplasia-anauxetic dysplasia (CHH-AD) spectrum disorders (PMID: 16244706, 11207361, 12107819). ClinVar contains an entry for this variant (Variation ID: 555121). While functional studies for this variant have not been reported, experimental analyses using patient derived cells, as well as in vitro transfection studies, have shown that promoter insertions result in silencing of RMRP transcription and reduced expression of the gene product (PMID: 11207361, 16254002). For these reasons, this variant has been classified as Pathogenic.

Laboratorio de Biologia Molecular/Medicina Genomica - IFF/Fiocruz, Instituto Fernandes Figueira, Fundacao Oswaldo Cruz
Classification: Pathogenic for Metaphyseal chondrodysplasia, McKusick type. Last evaluated: 2024-01-25. Review status: criteria provided, single submitter. Criteria: ACMG Guidelines, 2015. Collection method: clinical testing. Allele origin: germline. Affected: yes. Observed: 1 variant allele.
Comment: This alteration is located within the promoter region of the RMRP gene, which encodes an untranslated RNA. Other insertions and duplications in this region have been reported in individuals affected with cartilage-hair hypoplasia-anauxetic dysplasia spectrum disorders (PMID: 11207361, 21956908, 21396580). This variant involves the duplication of 20 nucleotides between the TATA box and the transcription initiation site and functional studies have shown that this type of alteration result in reduced expression of the RMRP gene (PMIDs: 11207361, 16254002). For these reasons, this variant has been classified as Pathogenic.

Women's Health and Genetics/Laboratory Corporation of America, LabCorp
Classification: Likely pathogenic for Metaphyseal chondrodysplasia, McKusick type. Last evaluated: 2022-04-01. Review status: criteria provided, single submitter. Criteria: LabCorp Variant Classification Summary - May 2015. Collection method: clinical testing. Allele origin: germline.
Comment: Variant summary: RMRP n.-21_-2dup20 is within the promoter region of the RMRP gene which is located between the TATA box (at position -33 to -25) and the transcription initiation site (at +1). Other insertions or duplications in the promoter region of RMRP have been classified as pathogenic (internally and in ClinVar). The variant was absent in 127922 control chromosomes (gnomAD). n.-21_-2dup20 has been reported in the literature in an individual affected with Cartilage-Hair Hypoplasia (Gomes_2020). To our knowledge, no experimental evidence demonstrating an impact on protein function has been reported. Many other insertions or duplications in the promoter region of RMRP have been reported in affected individuals in the literature (e.g. PMIDs: 21956908, 21396580) and have been demonstrated through functional studies to lead to reduced RMRP transcription (e.g. PMIDs: 11207361, 16254002). Two ClinVar submitters (evaluation after 2014) cite the variant as likely pathogenic. Based on the evidence outlined above, the variant was classified as likely pathogenic.

Natera, Inc.
Classification: Likely pathogenic for Cartilage-hair hypoplasia. Last evaluated: 2020-09-25. Review status: no assertion criteria provided. Collection method: clinical testing. Allele origin: germline. Not counted in ClinVar's aggregate classification.

Counsyl
Classification: Likely pathogenic for Metaphyseal chondrodysplasia, McKusick type. Last evaluated: 2017-11-26. Review status: no assertion criteria provided. Collection method: clinical testing. Allele origin: unknown. Not counted in ClinVar's aggregate classification.

Literature cited by the submitters: PubMed 32021596 (cited by 3 submitters); PubMed 16244706 (cited by Labcorp Genetics (formerly Invitae), Labcorp); PubMed 11207361 (cited by Labcorp Genetics (formerly Invitae), Labcorp); PubMed 12107819 (cited by Labcorp Genetics (formerly Invitae), Labcorp); PubMed 16254002 (cited by Labcorp Genetics (formerly Invitae), Labcorp).